The following is an entry in ClinVar:

NM_006206.6(PDGFRA):c.2123T>C (p.Phe708Ser)

Gene: PDGFRA (platelet derived growth factor receptor alpha; plus strand). Cytogenetic location: 4q12.
Variant type: single nucleotide variant.
Coding change: c.2123T>C on transcript NM_006206.6 (MANE Select); coding-DNA position 2123, T replaced by C.
Protein change: p.Phe708Ser; replaces phenylalanine 708 with serine.
Molecular consequence: missense variant.
Genome position (GRCh38, 1-based): chr4:54,278,482, T>C. VCF-style: chr4-54278482-T-C. GRCh37 (hg19) VCF-style: chr4-55144649-T-C.
Other names: c.2123T>C, p.Phe708Ser (NM_001347827.2, NM_001347829.2); c.2198T>C, p.Phe733Ser (NM_001347828.2); c.2162T>C, p.Phe721Ser (NM_001347830.2); short protein forms F708S, F721S, F733S.
Identifiers: ClinVar variation 459038 (VCV000459038.14), dbSNP rs781356492, ClinGen allele CA2922750.
Genomic context (GRCh38, chr4:54,278,482, plus strand): 5'-AGAATAGGGATAGCTTCCTGAGCCACCACCCAGAGAAGCCAAAGAAAGAGCTGGATATCT[T>C]TGGATTGAACCCTGCTGATGAAAGCACACGGAGGTGGGTGCAAAGAGAGATGTTGCTGTC-3'
Protein context (NP_006197.1, residues 698-718): PEKPKKELDI[Phe708Ser]GLNPADESTR

ClinVar aggregate classification (germline): Conflicting classifications of pathogenicity. Review status: criteria provided, conflicting classifications (1 of 4 stars). 3 submissions from 3 submitters: Uncertain significance (1); Likely benign (2). Last evaluated 2026-06-15.

Conditions:
Polyps, multiple and recurrent inflammatory fibroid, gastrointestinal. Identifiers: MedGen C5193005, MONDO:0008285, OMIM 175510.
Hereditary cancer-predisposing syndrome. Also called: Tumor predisposition; Hereditary neoplastic syndrome; Neoplastic Syndromes, Hereditary; Hereditary Cancer Syndrome. Identifiers: Orphanet 140162, MedGen C0027672, MeSH D009386, MONDO:0015356.
Gastrointestinal stromal tumor. Also called: Gastrointestinal stroma tumor; Gastrointestinal stromal tumor, somatic. Identifiers: Orphanet 44890, MedGen C0238198, MeSH D046152, MONDO:0011719, OMIM 606764, HP:0100723.

Allele frequency attached by ClinVar (database versions not stated): ExAC 0.00001; gnomAD exomes 0.00001; TOPMed 0.00001.
gnomAD v4.1: 14 of 1,614,076 alleles (0.00087%); highest among the groups gnomAD compares: East Asian, 0.0022%; no homozygotes.

Submissions (3):

Myriad Genetics, Inc.
Classification: Likely benign for Polyps, multiple and recurrent inflammatory fibroid, gastrointestinal. Last evaluated: 2026-06-15. Review status: criteria provided, single submitter. Criteria: Myriad Autosomal Dominant, Autosomal Recessive and X-Linked Classification Criteria (2023). Collection method: clinical testing. Allele origin: unknown.
Comment: This variant is considered likely benign. This variant has been observed at a population frequency that is significantly greater than expected given the associated disease prevalence and penetrance.

Labcorp Genetics (formerly Invitae), Labcorp
Classification: Uncertain significance for Gastrointestinal stromal tumor. Last evaluated: 2025-11-10. Review status: criteria provided, single submitter. Criteria: Invitae Variant Classification Sherloc (09022015). Collection method: clinical testing. Allele origin: germline.
Comment: This sequence change replaces phenylalanine, which is neutral and non-polar, with serine, which is neutral and polar, at codon 708 of the PDGFRA protein (p.Phe708Ser). This variant is present in population databases (rs781356492, gnomAD 0.003%). This variant has not been reported in the literature in individuals affected with PDGFRA-related conditions. ClinVar contains an entry for this variant (Variation ID: 459038). Invitae Evidence Modeling of protein sequence and biophysical properties (such as structural, functional, and spatial information, amino acid conservation, physicochemical variation, residue mobility, and thermodynamic stability) indicates that this missense variant is not expected to disrupt PDGFRA protein function with a negative predictive value of 80%. In summary, the available evidence is currently insufficient to determine the role of this variant in disease. Therefore, it has been classified as a Variant of Uncertain Significance.

Ambry Genetics
Classification: Likely benign for Hereditary cancer-predisposing syndrome. Last evaluated: 2024-10-28. Review status: criteria provided, single submitter. Criteria: Ambry Variant Classification Scheme 2023. Collection method: clinical testing. Allele origin: germline.